The following is an entry in ClinVar:

ClinVar aggregate classification (germline): Uncertain significance (1 of 4 stars; one submission).

Conditions:
Lymphoproliferative syndrome 1 (LPFS1). Identifiers: Orphanet 238505, Orphanet 538963, MedGen C3552634, MONDO:0013081, OMIM 613011.

Allele frequency attached by ClinVar (database versions not stated): TOPMed below 0.00001; gnomAD 0.00001; gnomAD exomes 0.00001 and 0.00002; ExAC 0.00003.
gnomAD v4.1: 7 of 1,611,930 alleles (0.00043%); highest among the groups gnomAD compares: Admixed American, 0.012%; no homozygotes.

Submission:

Labcorp Genetics (formerly Invitae), Labcorp
Classification: Uncertain significance for Lymphoproliferative syndrome 1. Last evaluated: 2021-10-27. Review status: criteria provided, single submitter. Criteria: Invitae Variant Classification Sherloc (09022015). Collection method: clinical testing. Allele origin: germline.
Comment: This sequence change replaces asparagine, a(n) neutral and polar amino acid, with aspartic acid, a(n) acidic and polar amino acid, at codon 287 of the ITK protein (p.Asn287Asp). This variant is present in population databases (rs748573843, gnomAD 0.01%). This variant has not been reported in the literature in individuals affected with ITK-related conditions. Advanced modeling of protein sequence and biophysical properties (such as structural, functional, and spatial information, amino acid conservation, physicochemical variation, residue mobility, and thermodynamic stability) performed at Invitae indicates that this missense variant is not expected to disrupt ITK protein function. In summary, the available evidence is currently insufficient to determine the role of this variant in disease. Therefore, it has been classified as a Variant of Uncertain Significance.

NM_005546.4(ITK):c.859A>G (p.Asn287Asp)

Gene: ITK (IL2 inducible T cell kinase; plus strand). Cytogenetic location: 5q33.3.
Variant type: single nucleotide variant.
Coding change: c.859A>G on transcript NM_005546.4 (MANE Select); coding-DNA position 859, A replaced by G.
Protein change: p.Asn287Asp; replaces asparagine 287 with aspartic acid.
Molecular consequence: missense variant.
Genome position (GRCh38, 1-based): chr5:157,240,069, A>G. VCF-style: chr5-157240069-A-G. GRCh37 (hg19) VCF-style: chr5-156667079-A-G.
Other names: short protein forms N287D.
Identifiers: ClinVar variation 1368474 (VCV001368474.3), dbSNP rs748573843, ClinGen allele CA3532928.